The following is an entry in ClinVar:

NM_003060.4(SLC22A5):c.95A>G (p.Asn32Ser)

Gene: SLC22A5 (solute carrier family 22 member 5; plus strand). Cytogenetic location: 5q31.1.
Variant type: single nucleotide variant.
Coding change: c.95A>G on transcript NM_003060.4 (MANE Select); coding-DNA position 95, A replaced by G.
Protein change: p.Asn32Ser; replaces asparagine 32 with serine.
Molecular consequence: missense variant.
Genome position (GRCh38, 1-based): chr5:132,370,067, A>G. VCF-style: chr5-132370067-A-G. GRCh37 (hg19) VCF-style: chr5-131705759-A-G.
Other names: c.95A>G, p.Asn32Ser (NM_001308122.2).
Identifiers: ClinVar variation 25355 (VCV000025355.82), dbSNP rs72552725, ClinGen allele CA342615.
Genomic context (GRCh38, chr5:132,370,067, plus strand): 5'-GCGAGTGGGGGCCCTTCCAGCGCCTCATCTTCTTCCTGCTCAGCGCCAGCATCATCCCCA[A>G]TGGCTTCACCGGCCTGTCCTCCGTGTTCCTGATAGCGACCCCGGAGCACCGCTGCCGGGT-3'
Protein context (NP_003051.1, residues 22-42): FFLLSASIIP[Asn32Ser]GFTGLSSVFL

ClinVar aggregate classification (germline): Pathogenic. Review status: criteria provided, multiple submitters, no conflicts (2 of 4 stars). 15 submissions from 15 submitters: Pathogenic (12). 3 of the submissions do not count toward it. Last evaluated 2026-01-11.

Conditions:
Carnitine deficiency. Identifiers: MedGen C1142132.
SLC22A5-related disorder. Also called: SLC22A5-related condition.
Inborn errors of metabolism. Also called: Inborn error of metabolism. Identifiers: Orphanet 68367, MedGen C0025521, MONDO:0019052.
Renal carnitine transport defect (CDSP). Also called: Carnitine transporter deficiency; Carnitine Deficiency, Systemic; Primary carnitine deficiency; Systemic primary carnitine deficiency; CARNITINE DEFICIENCY, SYSTEMIC, DUE TO DEFECT IN RENAL REABSORPTION OF CARNITINE; CARNITINE TRANSPORTER, PLASMA-MEMBRANE, DEFICIENCY OF. Identifiers: Orphanet 158, MedGen C0342788, MONDO:0008919, OMIM 212140.

Allele frequency attached by ClinVar (database versions not stated): gnomAD 0.00002 and 0.00001; gnomAD exomes 0.00002; ExAC 0.00003; TOPMed 0.00001.
gnomAD v4.1: 39 of 1,612,846 alleles (0.0024%); highest among the groups gnomAD compares: South Asian, 0.0099%; no homozygotes.

Submissions (15):

Labcorp Genetics (formerly Invitae), Labcorp
Classification: Pathogenic for Renal carnitine transport defect. Last evaluated: 2026-01-11. Review status: criteria provided, single submitter. Criteria: Invitae Variant Classification Sherloc (09022015). Collection method: clinical testing. Allele origin: germline.
Comment: This sequence change replaces asparagine, which is neutral and polar, with serine, which is neutral and polar, at codon 32 of the SLC22A5 protein (p.Asn32Ser). This variant is present in population databases (rs72552725, gnomAD 0.01%). This missense change has been observed in individual(s) with primary carnitine deficiency (PMID: 12210323, 23653224, 23963628, 25665836). ClinVar contains an entry for this variant (Variation ID: 25355). Invitae Evidence Modeling of protein sequence and biophysical properties (such as structural, functional, and spatial information, amino acid conservation, physicochemical variation, residue mobility, and thermodynamic stability) indicates that this missense variant is expected to disrupt SLC22A5 protein function with a positive predictive value of 95%. For these reasons, this variant has been classified as Pathogenic.

North West Genomic Laboratory Hub, Manchester University NHS Foundation Trust
Classification: Pathogenic for Inborn error of metabolism. Last evaluated: 2025-10-28. Review status: criteria provided, single submitter. Criteria: ACGS Best Practice Guidelines for Variant Classification in Rare Disease 2024. Collection method: clinical testing. Allele origin: germline. Affected: yes.
Comment: PM3_Str PM2_Mod PP4_Str

Natera, Inc.
Classification: Pathogenic for Carnitine deficiency. Last evaluated: 2025-03-20. Review status: criteria provided, single submitter. Criteria: Natera Variant Classification Schema (03/2026). Collection method: clinical testing. Allele origin: germline.
Comment: The c.95A>G variant in SLC22A5 is a missense variant predicted to cause substitution of asparagine to serine at amino acid 32. This variant is rare in the general population with a frequency below the threshold expected for the associated phenotype(s). This variant has been observed in one or more individuals affected with the associated recessive disease, as either homozygous or compound heterozygous with a second variant (PMID: 12210323, 22566287, 27896095). Additionally, this variant has been observed to segregate in affected family members (PMID: 22566287). Given the available evidence, this variant is classified as Pathogenic.

Blueprint Genetics
Classification: Pathogenic for SLC22A5-related disorders. Last evaluated: 2024-09-25. Review status: criteria provided, single submitter. Criteria: ACMG Guidelines, 2015. Collection method: clinical testing. Allele origin: germline. Affected: yes. Observed: 5 variant alleles.

Fulgent Genetics
Classification: Pathogenic for Renal carnitine transport defect. Last evaluated: 2024-04-17. Review status: criteria provided, single submitter. Criteria: ACMG Guidelines, 2015. Collection method: clinical testing. Allele origin: germline.

Revvity Omics, Revvity
Classification: Pathogenic for Renal carnitine transport defect. Last evaluated: 2023-05-16. Review status: criteria provided, single submitter. Criteria: ACMG Guidelines, 2015. Collection method: clinical testing. Allele origin: germline.

GeneDx
Classification: Pathogenic. Last evaluated: 2021-08-25. Review status: criteria provided, single submitter. Criteria: GeneDx Variant Classification Process June 2021. Collection method: clinical testing. Allele origin: germline. Affected: yes.
Comment: Published functional studies demonstrate carnitine transport activity was significantly impaired compared to controls (Rose et al., 2012); Not observed at a significant frequency in large population cohorts (Lek et al., 2016); In silico analysis supports that this missense variant has a deleterious effect on protein structure/function; This variant is associated with the following publications: (PMID: 25846890, 12210323, 21922592, 28841266, 31373028, 30219858, 30863740, 28105570, 28170084, 17126586, 23379544, 26828774, no PMID, 25665836, 23653224, 23963628)

Genome-Nilou Lab
Classification: Pathogenic for Renal carnitine transport defect. Last evaluated: 2021-07-15. Review status: criteria provided, single submitter. Criteria: ACMG Guidelines, 2015. Collection method: clinical testing. Allele origin: germline. Affected: no.

Women's Health and Genetics/Laboratory Corporation of America, LabCorp
Classification: Pathogenic for Renal carnitine transport defect. Last evaluated: 2017-05-22. Review status: criteria provided, single submitter. Criteria: LabCorp Variant Classification Summary - May 2015. Collection method: clinical testing. Allele origin: germline.
Comment: Variant summary: The SLC22A5 c.95A>G (p.Asn32Ser) variant involves the alteration of a conserved nucleotide. 3/4 in silico tools predict a benign outcome for this variant (SNPsandGO not captured due to low reliability index). This variant was found in 3/112066 control chromosomes at a frequency of 0.0000268, which does not exceed the estimated maximal expected allele frequency of a pathogenic SLC22A5 variant (0.0045644). The variant has been reported in numerous affected individuals in the literature in the homozygous and compound heterozygous state. Additionally, carnitine uptake studies in cultured skin fibroblasts showed that the mean residual OCTN2 transporter activity was 4% of normal in patients homozygous for this variant (Rasmussen_2014). Multiple clinical diagnostic laboratories/reputable databases classified this variant as pathogenic. Taken together, this variant is classified as pathogenic.

Eurofins Ntd Llc (ga)
Classification: Pathogenic. Last evaluated: 2017-03-03. Review status: criteria provided, single submitter. Criteria: EGL Classification Definitions 2015. Collection method: clinical testing. Allele origin: germline. Observed: 1 variant allele, 1 heterozygote.

CeGaT Center for Human Genetics Tuebingen
Classification: Pathogenic. Last evaluated: 2017-03-01. Review status: criteria provided, single submitter. Criteria: CeGaT Center For Human Genetics Tuebingen Variant Classification Criteria Version 2. Collection method: clinical testing. Allele origin: germline. Affected: yes. Observed: 1 variant allele.

ARUP Laboratories, Molecular Genetics and Genomics, ARUP Laboratories
Classification: Pathogenic. Last evaluated: 2016-12-29. Review status: criteria provided, single submitter. Criteria: ARUP Molecular Germline Variant Investigation Process. Collection method: clinical testing. Allele origin: germline.

Counsyl
Classification: Pathogenic for Renal carnitine transport defect. Last evaluated: 2017-05-18. Review status: no assertion criteria provided. Collection method: clinical testing. Allele origin: unknown. Not counted in ClinVar's aggregate classification.

Genome Diagnostics Laboratory, University Medical Center Utrecht
Classification: Pathogenic. Review status: no assertion criteria provided. Collection method: clinical testing. Allele origin: germline. Affected: yes. Study: VKGL Data-share Consensus. Not counted in ClinVar's aggregate classification.

Laboratory of Diagnostic Genome Analysis, Leiden University Medical Center (LUMC)
Classification: Pathogenic. Review status: no assertion criteria provided. Collection method: clinical testing. Allele origin: germline. Affected: yes. Study: VKGL Data-share Consensus. Not counted in ClinVar's aggregate classification.

Literature cited by the submitters: PubMed 12210323 (cited by 3 submitters); PubMed 23653224 (cited by Labcorp Genetics (formerly Invitae), Labcorp and Counsyl); PubMed 23963628 (cited by Labcorp Genetics (formerly Invitae), Labcorp); PubMed 25665836 (cited by Labcorp Genetics (formerly Invitae), Labcorp and Eurofins Ntd Llc (ga)); PubMed 22566287 (cited by Natera, Inc.); PubMed 27896095 (cited by Natera, Inc. and Women's Health and Genetics/Laboratory Corporation of America, LabCorp); PubMed 17126586 (cited by Eurofins Ntd Llc (ga)); PubMed 21922592 (cited by Eurofins Ntd Llc (ga)); PubMed 25846890 (cited by Eurofins Ntd Llc (ga) and Counsyl).